The following is an entry in ClinVar:

ClinVar aggregate classification (germline): Uncertain significance. Review status: criteria provided, multiple submitters, no conflicts (2 of 4 stars). 3 submissions from 3 submitters: Uncertain significance (3). Last evaluated 2025-10-02.

Conditions:
Inflammatory skin and bowel disease, neonatal, 2 (NNCIS). Identifiers: Orphanet 294023, MedGen C4015130, MONDO:0014481, OMIM 616069.
Lung cancer. Also called: Malignant tumor of lung; Lung cancer, somatic. Identifiers: MedGen C0242379, MONDO:0008903, OMIM 211980.
Hereditary cancer-predisposing syndrome. Also called: Tumor predisposition; Hereditary neoplastic syndrome; Neoplastic Syndromes, Hereditary; Hereditary Cancer Syndrome. Identifiers: Orphanet 140162, MedGen C0027672, MeSH D009386, MONDO:0015356.
EGFR-related lung cancer (EGFR). Identifiers: MedGen CN130014.

Allele frequency attached by ClinVar (database versions not stated): gnomAD 0.00001; gnomAD exomes 0.00002 and 0.00004; TOPMed 0.00002; ExAC 0.00003.
gnomAD v4.1: 33 of 1,614,052 alleles (0.002%); highest among the groups gnomAD compares: East Asian, 0.011%; no homozygotes.

Submissions (3):

Labcorp Genetics (formerly Invitae), Labcorp
Classification: Uncertain significance for EGFR-related lung cancer. Last evaluated: 2025-10-02. Review status: criteria provided, single submitter. Criteria: Invitae Variant Classification Sherloc (09022015). Collection method: clinical testing. Allele origin: germline.
Comment: This sequence change replaces glycine, which is neutral and non-polar, with arginine, which is basic and polar, at codon 917 of the EGFR protein (p.Gly917Arg). This variant is present in population databases (rs775695605, gnomAD 0.01%). This variant has not been reported in the literature in individuals affected with EGFR-related conditions. ClinVar contains an entry for this variant (Variation ID: 958259). Invitae Evidence Modeling of protein sequence and biophysical properties (such as structural, functional, and spatial information, amino acid conservation, physicochemical variation, residue mobility, and thermodynamic stability) has been performed for this missense variant. However, the output from this modeling did not meet the statistical confidence thresholds required to predict the impact of this variant on EGFR protein function. In summary, the available evidence is currently insufficient to determine the role of this variant in disease. Therefore, it has been classified as a Variant of Uncertain Significance.

Ambry Genetics
Classification: Uncertain significance for Hereditary cancer-predisposing syndrome. Last evaluated: 2025-01-17. Review status: criteria provided, single submitter. Criteria: Ambry Variant Classification Scheme 2023. Collection method: clinical testing. Allele origin: germline.
Comment: The p.G917R variant (also known as c.2749G>A), located in coding exon 23 of the EGFR gene, results from a G to A substitution at nucleotide position 2749. The glycine at codon 917 is replaced by arginine, an amino acid with dissimilar properties. This amino acid position is well conserved in available vertebrate species. In addition, the in silico prediction for this alteration is inconclusive. Based on the available evidence, the clinical significance of this variant remains unclear.

Fulgent Genetics
Classification: Uncertain significance for Lung cancer; Inflammatory skin and bowel disease, neonatal, 2. Last evaluated: 2024-02-06. Review status: criteria provided, single submitter. Criteria: ACMG Guidelines, 2015. Collection method: clinical testing. Allele origin: germline.

NM_005228.5(EGFR):c.2749G>A (p.Gly917Arg)

Gene: EGFR (epidermal growth factor receptor; plus strand). Cytogenetic location: 7p11.2.
Variant type: single nucleotide variant.
Coding change: c.2749G>A on transcript NM_005228.5 (MANE Select); coding-DNA position 2749, G replaced by A.
Protein change: p.Gly917Arg; replaces glycine 917 with arginine.
Molecular consequence: missense variant.
Genome position (GRCh38, 1-based): chr7:55,198,764, G>A. VCF-style: chr7-55198764-G-A. GRCh37 (hg19) VCF-style: chr7-55266457-G-A.
Other names: c.2614G>A, p.Gly872Arg (NM_001346897.2, NM_001346899.2); c.2749G>A, p.Gly917Arg (NM_001346898.2); c.2590G>A, p.Gly864Arg (NM_001346900.2); c.1948G>A, p.Gly650Arg (NM_001346941.2); short protein forms G872R, G650R, G917R, G864R.
Identifiers: ClinVar variation 958259 (VCV000958259.11), dbSNP rs775695605, ClinGen allele CA4266172.